The following is an entry in ClinVar:

NM_015272.5(RPGRIP1L):c.776+1G>C

Gene: RPGRIP1L (RPGRIP1 like; minus strand). Cytogenetic location: 16q12.2.
Variant type: single nucleotide variant.
Coding change: c.776+1G>C on transcript NM_015272.5 (MANE Select); the canonical splice donor site of the intron after coding-DNA position 776, G replaced by C.
Molecular consequence: splice donor variant.
Genome position (GRCh38, 1-based): chr16:53,686,432, C>G on the plus strand (G>C on the coding strand, the complement: RPGRIP1L is on the minus strand). VCF-style: chr16-53686432-C-G. GRCh37 (hg19) VCF-style: chr16-53720344-C-G.
Other names: c.776+1G>C (NM_001127897.4, NM_001330538.2, NM_001308334.3).
Identifiers: ClinVar variation 2934971 (VCV002934971.4), dbSNP rs771226563, ClinGen allele CA395923724.
Genomic context (GRCh38, chr16:53,686,432, plus strand): 5'-ATGATAAAGTATTTTAAACTAATTTTGACCTTATCAAAGTGATATTTCTGTTTTAACATA[C>G]CTTTGATCTGTAGCTTGCTGTTCTCGAAGCTGAAGAAGAGATAACTCAATTTCATTTTCT-3'

ClinVar aggregate classification (germline): Likely pathogenic. Review status: criteria provided, multiple submitters, no conflicts (2 of 4 stars). 2 submissions from 2 submitters: Likely pathogenic (2). Last evaluated 2023-12-22.

Conditions:
Meckel syndrome, type 5 (MKS5). Identifiers: Orphanet 564, MedGen C1969052, MONDO:0012695, OMIM 611561.
Joubert syndrome 7 (JBTS7). Identifiers: Orphanet 220497, MedGen C1969053, MONDO:0012694, OMIM 611560.
COACH syndrome 3. Identifiers: MedGen C5436841, MONDO:0030862, OMIM 619113.
Joubert syndrome. Also called: CEREBELLOPARENCHYMAL DISORDER IV; JOUBERT-BOLTSHAUSER SYNDROME; Familial aplasia of the vermis. Identifiers: Orphanet 475, MedGen C5979921, MONDO:0018772.
Meckel-Gruber syndrome. Also called: DYSENCEPHALIA SPLANCHNOCYSTICA; GRUBER SYNDROME; Dysencephalia splachnocystica. Identifiers: Orphanet 564, MedGen C0265215, MONDO:0018921.

gnomAD v4.1: 1 of 1,612,584 alleles (0.000062%); highest among the groups gnomAD compares: South Asian, 0.0011%; no homozygotes.

Submissions (2):

Fulgent Genetics
Classification: Likely pathogenic for Joubert syndrome 7; Meckel syndrome, type 5; COACH syndrome 3. Last evaluated: 2023-12-22. Review status: criteria provided, single submitter. Criteria: ACMG Guidelines, 2015. Collection method: clinical testing. Allele origin: germline.

Labcorp Genetics (formerly Invitae), Labcorp
Classification: Likely pathogenic for Joubert syndrome; Meckel-Gruber syndrome. Last evaluated: 2023-12-21. Review status: criteria provided, single submitter. Criteria: Invitae Variant Classification Sherloc (09022015). Collection method: clinical testing. Allele origin: germline.
Comment: This sequence change affects a donor splice site in intron 6 of the RPGRIP1L gene. It is expected to disrupt RNA splicing. Variants that disrupt the donor or acceptor splice site typically lead to a loss of protein function (PMID: 16199547), and loss-of-function variants in RPGRIP1L are known to be pathogenic (PMID: 17558409). This variant is not present in population databases (gnomAD no frequency). Disruption of this splice site has been observed in individual(s) with clinical features consistent with RPGRIP1L-related conditions (PMID: 36061204). Algorithms developed to predict the effect of sequence changes on RNA splicing suggest that this variant may disrupt the consensus splice site. In summary, the currently available evidence indicates that the variant is pathogenic, but additional data are needed to prove that conclusively. Therefore, this variant has been classified as Likely Pathogenic.

Literature cited by the submitters: PubMed 16199547 (cited by Labcorp Genetics (formerly Invitae), Labcorp); PubMed 17558409 (cited by Labcorp Genetics (formerly Invitae), Labcorp); PubMed 36061204 (cited by Labcorp Genetics (formerly Invitae), Labcorp).